The following is an entry in ClinVar:

ClinVar aggregate classification (germline): Uncertain significance (1 of 4 stars; one submission).

Submission:

Labcorp Genetics (formerly Invitae), Labcorp
Classification: Uncertain significance. Last evaluated: 2022-04-04. Review status: criteria provided, single submitter. Criteria: Invitae Variant Classification Sherloc (09022015). Collection method: clinical testing. Allele origin: germline.
Comment: In summary, the available evidence is currently insufficient to determine the role of this variant in disease. Therefore, it has been classified as a Variant of Uncertain Significance. Experimental studies and prediction algorithms are not available or were not evaluated, and the effect of this variant on mRNA splicing is currently unknown. This variant is also known as c.1078-6_1078-2del. This variant has not been reported in the literature in individuals affected with CENPJ-related conditions. This variant is present in population databases (rs776572599, gnomAD 0.003%). This sequence change falls in intron 6 of the CENPJ gene. It does not directly change the encoded amino acid sequence of the CENPJ protein.

NM_018451.5(CPAP):c.1078-6_1078-2del

Gene: CPAP (centrosome assembly and centriole elongation protein; minus strand). Cytogenetic location: 13q12.13.
Variant type: Microsatellite.
Coding change: c.1078-6_1078-2del on transcript NM_018451.5 (MANE Select); 6 bases into the intron before coding-DNA position 1078 through the canonical splice acceptor site of the intron before coding-DNA position 1078, 5 bases deleted (TTTTA; older notation c.1078-6_1078-2delTTTTA).
Molecular consequence: splice acceptor variant.
Genome position (GRCh38, 1-based): chr13:24,906,962-24,906,966, TAAAA deleted on the plus strand (TTTTA on the coding strand, the reverse complement: CPAP is on the minus strand); deleting any 5 consecutive bases within chr13:24,906,962-24,906,971 gives the same sequence; the c. name uses the placement nearest the transcript's 3' end. VCF-style (leftmost placement, unchanged base first): chr13-24906961-CTAAAA-C. GRCh37 (hg19) VCF-style: chr13-25481099-CTAAAA-C.
Identifiers: ClinVar variation 2076673 (VCV002076673.4), dbSNP rs776572599, ClinGen allele CA6919822.